The following is an entry in ClinVar:

ClinVar aggregate classification (germline): Uncertain significance (1 of 4 stars; one submission).

Conditions:
MHC class II deficiency. Also called: Bare lymphocyte syndrome 2; BLS, TYPE II. Identifiers: Orphanet 572, MedGen C5447452, MONDO:0008855.

Allele frequency attached by ClinVar (database versions not stated): 1000 Genomes Project 0.00020; gnomAD exomes 0.00001; ExAC 0.00004; TOPMed 0.00004; gnomAD 0.00005; 1000 Genomes Project 30x 0.00016.
gnomAD v4.1: 15 of 1,613,624 alleles (0.00093%); highest among the groups gnomAD compares: African/African-American, 0.017%; no homozygotes.

Submission:

Labcorp Genetics (formerly Invitae), Labcorp
Classification: Uncertain significance for MHC class II deficiency. Last evaluated: 2022-05-28. Review status: criteria provided, single submitter. Criteria: Invitae Variant Classification Sherloc (09022015). Collection method: clinical testing. Allele origin: germline.
Comment: This sequence change replaces glutamine, which is neutral and polar, with lysine, which is basic and polar, at codon 1006 of the CIITA protein (p.Gln1006Lys). This variant is present in population databases (rs556431920, gnomAD 0.02%). This variant has not been reported in the literature in individuals affected with CIITA-related conditions. Algorithms developed to predict the effect of missense changes on protein structure and function output the following: SIFT: "Tolerated"; PolyPhen-2: "Benign"; Align-GVGD: "Class C0". The lysine amino acid residue is found in multiple mammalian species, which suggests that this missense change does not adversely affect protein function. In summary, the available evidence is currently insufficient to determine the role of this variant in disease. Therefore, it has been classified as a Variant of Uncertain Significance.

NM_000246.4(CIITA):c.3016C>A (p.Gln1006Lys)

Gene: CIITA (class II major histocompatibility complex transactivator; plus strand). Cytogenetic location: 16p13.13.
Variant type: single nucleotide variant.
Coding change: c.3016C>A on transcript NM_000246.4 (MANE Select); coding-DNA position 3016, C replaced by A.
Protein change: p.Gln1006Lys; replaces glutamine 1006 with lysine.
Molecular consequence: missense variant. On other transcripts: non-coding transcript variant (1).
Genome position (GRCh38, 1-based): chr16:10,916,413, C>A. VCF-style: chr16-10916413-C-A. GRCh37 (hg19) VCF-style: chr16-11010270-C-A.
Other names: c.2869C>A, p.Gln957Lys (NM_001379331.1); c.3019C>A, p.Gln1007Lys (NM_001379332.1, NM_001286402.1); c.3016C>A, p.Gln1006Lys (NM_001379333.1); c.2947C>A, p.Gln983Lys (NM_001379334.1); c.1264C>A, p.Gln422Lys (NM_001286403.2); c.2872C>A, p.Gln958Lys (NM_001379330.1); short protein forms Q422K, Q957K, Q983K, Q958K, Q1006K, Q1007K.
Identifiers: ClinVar variation 2140625 (VCV002140625.1), dbSNP rs556431920, ClinGen allele CA7900625.
Genomic context (GRCh38, chr16:10,916,413, plus strand): 5'-GATTCCACCTGCAGCCTGGATGCGCTGAGTGAGAACAAGATCGGGGACGAGGGTGTCTCG[C>A]AGCTCTCAGCCACCTTCCCCCAGCTGAAGTCCTTGGAAACCCTCAAGTGAGTGAGCTGGG-3'
Protein context (NP_000237.2, residues 996-1016): ENKIGDEGVS[Gln1006Lys]LSATFPQLKS